The following is an entry in ClinVar:

ClinVar aggregate classification (germline): Conflicting classifications of pathogenicity. Review status: criteria provided, conflicting classifications (1 of 4 stars). 3 submissions from 3 submitters: Uncertain significance (2); Likely benign (1). Last evaluated 2023-03-23.

Conditions:
Hereditary breast ovarian cancer syndrome. Also called: Hereditary breast and ovarian cancer syndrome; Hereditary breast and ovarian cancer; Hereditary breast and ovarian cancer syndrome (HBOC); Breast and ovarian cancer; Hereditary breast and/or ovarian cancer syndrome; BRCA1- and BRCA2-Associated Hereditary Breast and Ovarian Cancer. Identifiers: Orphanet 145, MedGen C0677776, MeSH D061325, MONDO:0003582. Disease mechanism: loss of function.
Hereditary cancer-predisposing syndrome. Also called: Neoplastic Syndromes, Hereditary; Tumor predisposition; Hereditary Cancer Syndrome; Hereditary neoplastic syndrome. Identifiers: Orphanet 140162, MedGen C0027672, MeSH D009386, MONDO:0015356.

Submissions (3):

University of Washington Department of Laboratory Medicine, University of Washington
Classification: Likely benign for Hereditary cancer-predisposing syndrome. Last evaluated: 2023-03-23. Review status: criteria provided, single submitter. Criteria: Dines et al. (Genet Med. 2020). Collection method: curation. Allele origin: germline.
Comment: Missense variant in a coldspot region where missense variants are very unlikely to be pathogenic (PMID:31911673).

BRCA2 exon 11 coldspot. Reclassification based on statistical prior probability.

Labcorp Genetics (formerly Invitae), Labcorp
Classification: Uncertain significance for Hereditary breast ovarian cancer syndrome. Last evaluated: 2022-05-25. Review status: criteria provided, single submitter. Criteria: Invitae Variant Classification Sherloc (09022015). Collection method: clinical testing. Allele origin: germline.
Comment: In summary, the available evidence is currently insufficient to determine the role of this variant in disease. Therefore, it has been classified as a Variant of Uncertain Significance. Advanced modeling of protein sequence and biophysical properties (such as structural, functional, and spatial information, amino acid conservation, physicochemical variation, residue mobility, and thermodynamic stability) performed at Invitae indicates that this missense variant is not expected to disrupt BRCA2 protein function. ClinVar contains an entry for this variant (Variation ID: 483057). This variant has not been reported in the literature in individuals affected with BRCA2-related conditions. This variant is not present in population databases (gnomAD no frequency). This sequence change replaces valine, which is neutral and non-polar, with phenylalanine, which is neutral and non-polar, at codon 1270 of the BRCA2 protein (p.Val1270Phe).

Ambry Genetics
Classification: Uncertain significance for Hereditary cancer-predisposing syndrome. Last evaluated: 2016-09-20. Review status: criteria provided, single submitter. Criteria: Ambry Variant Classification Scheme 2023. Collection method: clinical testing. Allele origin: germline.
Comment: The p.V1270F variant (also known as c.3808G>T), located in coding exon 10 of the BRCA2 gene, results from a G to T substitution at nucleotide position 3808. The valine at codon 1270 is replaced by phenylalanine, an amino acid with highly similar properties. This variant was not reported in population based cohorts in the following databases: Database of Single Nucleotide Polymorphisms (dbSNP), NHLBI Exome Sequencing Project (ESP), and 1000 Genomes Project. In the ESP, this variant was not observed in 6498 samples (12996 alleles) with coverage at this position. To date, this alteration has been detected with an allele frequency of approximately 0.0003% (greater than 300000 alleles tested) in our clinical cohort. This amino acid position is not well conserved in available vertebrate species. In addition, this alteration is predicted to be tolerated by in silico analysis. Since supporting evidence is limited at this time, the clinical significance of this alteration remains unclear.

NM_000059.4(BRCA2):c.3808G>T (p.Val1270Phe)

Gene: BRCA2 (BRCA2 DNA repair associated; plus strand). Cytogenetic location: 13q13.1.
Variant type: single nucleotide variant.
Coding change: c.3808G>T on transcript NM_000059.4 (MANE Select); coding-DNA position 3808, G replaced by T.
Protein change: p.Val1270Phe; replaces valine 1270 with phenylalanine.
Molecular consequence: missense variant.
Genome position (GRCh38, 1-based): chr13:32,338,163, G>T. VCF-style: chr13-32338163-G-T. GRCh37 (hg19) VCF-style: chr13-32912300-G-T.
Other names: short protein forms V1270F.
Identifiers: ClinVar variation 483057 (VCV000483057.11), dbSNP rs876658938, ClinGen allele CA387778441.